The following is an entry in ClinVar:

ClinVar aggregate classification (germline): Uncertain significance (1 of 4 stars; one submission).

gnomAD v4.1: 7 of 1,614,102 alleles (0.00043%); highest among the groups gnomAD compares: Non-Finnish European, 0.00042%; no homozygotes.

Submission:

Dasa
Classification: Uncertain significance. Last evaluated: 2026-05-25. Review status: criteria provided, single submitter. Criteria: DASA Assertion Criteria. Collection method: clinical testing. Allele origin: germline.
Comment: NM_005998.5(CCT3):c.656T>C (p.Met219Thr) is a missense variant that results in the substitution of methionine with threonine. This variant is rare in population databases. Computational prediction algorithms are consistent with a deleterious effect. The currently available literature and clinical evidence are not sufficient to establish a definitive association between this variant and the reported condition. Therefore, this variant is classified as a variant of uncertain significance.

NM_005998.5(CCT3):c.656T>C (p.Met219Thr)

Gene: CCT3 (chaperonin containing TCP1 subunit 3; minus strand). Cytogenetic location: 1q22.
Variant type: single nucleotide variant.
Coding change: c.656T>C on transcript NM_005998.5 (MANE Select); coding-DNA position 656, T replaced by C.
Protein change: p.Met219Thr; replaces methionine 219 with threonine.
Molecular consequence: missense variant. On other transcripts: non-coding transcript variant (2).
Genome position (GRCh38, 1-based): chr1:156,318,971, A>G on the plus strand (T>C on the coding strand, the complement: CCT3 is on the minus strand). VCF-style: chr1-156318971-A-G. GRCh37 (hg19) VCF-style: chr1-156288762-A-G.
Other names: c.542T>C, p.Met181Thr (NM_001008800.3); short protein forms M181T, M219T.
Identifiers: ClinVar variation 5020492 (VCV005020492.1).